The following is an entry in ClinVar:

ClinVar aggregate classification (germline): Pathogenic (1 of 4 stars; one submission).

Submission:

Labcorp Genetics (formerly Invitae), Labcorp
Classification: Pathogenic. Last evaluated: 2022-03-29. Review status: criteria provided, single submitter. Criteria: Invitae Variant Classification Sherloc (09022015). Collection method: clinical testing. Allele origin: germline.
Comment: For these reasons, this variant has been classified as Pathogenic. This variant has not been reported in the literature in individuals affected with LRPPRC-related conditions. This variant is not present in population databases (gnomAD no frequency). This sequence change creates a premature translational stop signal (p.Leu446Thrfs*12) in the LRPPRC gene. It is expected to result in an absent or disrupted protein product. Loss-of-function variants in LRPPRC are known to be pathogenic (PMID: 26510951).

Literature cited by the submitters: PubMed 26510951.

NM_133259.4(LRPPRC):c.1336_1343del (p.Leu446fs)

Gene: LRPPRC (leucine rich pentatricopeptide repeat containing; minus strand). Cytogenetic location: 2p21.
Variant type: Deletion.
Coding change: c.1336_1343del on transcript NM_133259.4 (MANE Select); coding-DNA positions 1336 to 1343, 8 bases deleted (CTAGTTGG; older notation c.1336_1343delCTAGTTGG).
Protein change: p.Leu446fs; shifts the reading frame from leucine 446.
Molecular consequence: frameshift variant.
Genome position (GRCh38, 1-based): chr2:43,973,633-43,973,640, CCAACTAG deleted on the plus strand (CTAGTTGG on the coding strand, the reverse complement: LRPPRC is on the minus strand); deleting any 8 consecutive bases within chr2:43,973,633-43,973,641 gives the same sequence; the c. name uses the placement nearest the transcript's 3' end. VCF-style (leftmost placement, unchanged base first): chr2-43973632-TCCAACTAG-T. GRCh37 (hg19) VCF-style: chr2-44200771-TCCAACTAG-T.
Other names: short protein forms L446fs.
Identifiers: ClinVar variation 2119623 (VCV002119623.4), dbSNP rs2466659961, ClinGen allele CA2580066868.
Genomic context (GRCh38, chr2:43,973,632, plus strand): 5'-GAACCATTACAAATCGGTAAAAGGCAAAATCTAACCTTGAACATTTTTTTCCTTCCGACG[TCCAACTAG>T]CAATGGCCAGAAATAGTGAGGTCTGATAGGAAAACCTTCCTCCTTCACAGCCTTCATTAA-3'